The following is an entry in ClinVar:

ClinVar aggregate classification (germline): Likely pathogenic (1 of 4 stars; one submission).

Conditions:
Granulomatous disease, chronic, autosomal recessive, cytochrome b-positive, type 3. Also called: GRANULOMATOUS DISEASE, CHRONIC, DUE TO NCF4 DEFICIENCY; Granulomatous disease, chronic, autosomal recessive, cytochrome b-positive, type III; GRANULOMATOUS DISEASE, CHRONIC, AUTOSOMAL RECESSIVE, 3; CGD, AUTOSOMAL RECESSIVE CYTOCHROME b-POSITIVE, TYPE III. Identifiers: Orphanet 379, MedGen C3151409, MONDO:0013507, OMIM 613960.

Submission:

Labcorp Genetics (formerly Invitae), Labcorp
Classification: Likely pathogenic for Granulomatous disease, chronic, autosomal recessive, cytochrome b-positive, type 3. Last evaluated: 2024-05-26. Review status: criteria provided, single submitter. Criteria: Invitae Variant Classification Sherloc (09022015). Collection method: clinical testing. Allele origin: germline.
Comment: This sequence change affects a donor splice site in intron 5 of the NCF4 gene. It is expected to disrupt RNA splicing. Variants that disrupt the donor or acceptor splice site typically lead to a loss of protein function (PMID: 16199547), and loss-of-function variants in NCF4 are known to be pathogenic (PMID: 16880254, 19692703, 20167518). This variant is not present in population databases (gnomAD no frequency). This variant has not been reported in the literature in individuals affected with NCF4-related conditions. Algorithms developed to predict the effect of sequence changes on RNA splicing suggest that this variant may disrupt the consensus splice site. In summary, the currently available evidence indicates that the variant is pathogenic, but additional data are needed to prove that conclusively. Therefore, this variant has been classified as Likely Pathogenic.

Literature cited by the submitters: PubMed 16199547; PubMed 16880254; PubMed 19692703; PubMed 20167518.

NM_000631.5(NCF4):c.470+2T>G

Gene: NCF4 (neutrophil cytosolic factor 4; plus strand). Cytogenetic location: 22q12.3.
Variant type: single nucleotide variant.
Coding change: c.470+2T>G on transcript NM_000631.5 (MANE Select); the canonical splice donor site of the intron after coding-DNA position 470, T replaced by G.
Molecular consequence: splice donor variant.
Genome position (GRCh38, 1-based): chr22:36,870,544, T>G. VCF-style: chr22-36870544-T-G. GRCh37 (hg19) VCF-style: chr22-37266586-T-G.
Other names: c.470+2T>G (NM_013416.4).
Identifiers: ClinVar variation 3654709 (VCV003654709.2).